The following is an entry in ClinVar:

NM_001164508.2(NEB):c.79-1G>A

Gene: NEB (nebulin; minus strand). Cytogenetic location: 2q23.3.
Variant type: single nucleotide variant.
Coding change: c.79-1G>A on transcript NM_001164508.2 (MANE Select); the canonical splice acceptor site of the intron before coding-DNA position 79, G replaced by A.
Molecular consequence: splice acceptor variant.
Genome position (GRCh38, 1-based): chr2:151,727,907, C>T on the plus strand (G>A on the coding strand, the complement: NEB is on the minus strand). VCF-style: chr2-151727907-C-T. GRCh37 (hg19) VCF-style: chr2-152584421-C-T.
Other names: c.79-1G>A (NM_004543.5, NM_001164507.2, NM_001271208.2).
Identifiers: ClinVar variation 2071384 (VCV002071384.4), dbSNP rs2552280385, ClinGen allele CA348795986.
Genomic context (GRCh38, chr2:151,727,907, plus strand): 5'-TTCTGATTGCTCATAGTCAGATGTCCTTGTTGTCGTAGTCTCATAAATTTTTGTTATTGT[C>T]TGAAAATTTGATATGCAGTTCAACATTGTTGTGAAAGTAAAAACTGTGCTACTGTGATCT-3'

ClinVar aggregate classification (germline): Pathogenic (1 of 4 stars; one submission).

Conditions:
Nemaline myopathy 2 (NEM2). Also called: Nemaline myopathy 2, autosomal recessive. Identifiers: MedGen C1850569, MONDO:0009725, OMIM 256030.

Submission:

Labcorp Genetics (formerly Invitae), Labcorp
Classification: Pathogenic for Nemaline myopathy 2. Last evaluated: 2022-06-02. Review status: criteria provided, single submitter. Criteria: Invitae Variant Classification Sherloc (09022015). Collection method: clinical testing. Allele origin: germline.
Comment: For these reasons, this variant has been classified as Pathogenic. Algorithms developed to predict the effect of sequence changes on RNA splicing suggest that this variant may disrupt the consensus splice site. Disruption of this splice site has been observed in individual(s) with clinical features of nemaline myopathy (Invitae). In at least one individual the data is consistent with being in trans (on the opposite chromosome) from a pathogenic variant. This variant is not present in population databases (gnomAD no frequency). This sequence change affects an acceptor splice site in intron 4 of the NEB gene. It is expected to disrupt RNA splicing. Variants that disrupt the donor or acceptor splice site typically lead to a loss of protein function (PMID: 16199547), and loss-of-function variants in NEB are known to be pathogenic (PMID: 25205138).

Literature cited by the submitters: PubMed 16199547; PubMed 25205138.